The following is an entry in ClinVar:

ClinVar aggregate classification (germline): Uncertain significance (1 of 4 stars; one submission).

Conditions:
PLXNA4-related disorder. Also called: PLXNA4-related condition.

Submission:

PreventionGenetics, part of Exact Sciences
Classification: Uncertain significance for PLXNA4-related condition. Last evaluated: 2025-10-09. Review status: criteria provided, single submitter. Criteria: ACMG Guidelines, 2015. Collection method: clinical testing. Allele origin: germline.
Comment: The PLXNA4 c.3554T>C variant is predicted to result in the amino acid substitution p.Val1185Ala. To our knowledge, this variant has not been reported in the literature or in a large population database (gnomAD), indicating this variant is rare. At this time, the clinical significance of this variant is uncertain due to the absence of conclusive functional and genetic evidence.

NM_020911.2(PLXNA4):c.3554T>C (p.Val1185Ala)

Gene: PLXNA4 (plexin A4; minus strand). Cytogenetic location: 7q32.3.
Variant type: single nucleotide variant.
Coding change: c.3554T>C on transcript NM_020911.2 (MANE Select); coding-DNA position 3554, T replaced by C.
Protein change: p.Val1185Ala; replaces valine 1185 with alanine.
Molecular consequence: missense variant.
Genome position (GRCh38, 1-based): chr7:132,180,671, A>G on the plus strand (T>C on the coding strand, the complement: PLXNA4 is on the minus strand). VCF-style: chr7-132180671-A-G. GRCh37 (hg19) VCF-style: chr7-131865430-A-G.
Other names: c.3554T>C, p.Val1185Ala (NM_001393897.1); short protein forms V1185A.
Identifiers: ClinVar variation 4991780 (VCV004991780.1).